The following is an entry in ClinVar:

ClinVar aggregate classification (germline): Uncertain significance (1 of 4 stars; one submission).

gnomAD v4.1: 12 of 1,611,152 alleles (0.00074%); highest among the groups gnomAD compares: African/African-American, 0.0027%; no homozygotes.

Submission:

Labcorp Genetics (formerly Invitae), Labcorp
Classification: Uncertain significance. Last evaluated: 2025-12-01. Review status: criteria provided, single submitter. Criteria: Invitae Variant Classification Sherloc (09022015). Collection method: clinical testing. Allele origin: germline.
Comment: This sequence change affects codon 158 of the RPL9 mRNA. It is a 'silent' change, meaning that it does not change the encoded amino acid sequence of the RPL9 protein. This variant is present in population databases (no rsID available, gnomAD 0.003%). This variant has not been reported in the literature in individuals affected with RPL9-related conditions. Algorithms developed to predict the effect of sequence changes on RNA splicing suggest that this variant may create or strengthen a splice site. In summary, the available evidence is currently insufficient to determine the role of this variant in disease. Therefore, it has been classified as a Variant of Uncertain Significance.

NM_000661.5(RPL9):c.474G>A (p.Ala158=)

Gene: RPL9 (ribosomal protein L9; minus strand). Cytogenetic location: 4p14.
Variant type: single nucleotide variant.
Coding change: c.474G>A on transcript NM_000661.5 (MANE Select); coding-DNA position 474, G replaced by A.
Protein change: p.Ala158=; no amino-acid change (alanine 158 retained).
Molecular consequence: synonymous variant.
Genome position (GRCh38, 1-based): chr4:39,454,648, C>T on the plus strand (G>A on the coding strand, the complement: RPL9 is on the minus strand). VCF-style: chr4-39454648-C-T. GRCh37 (hg19) VCF-style: chr4-39456268-C-T.
Other names: c.474G>A, p.Ala158= (NM_001024921.4).
Identifiers: ClinVar variation 4751256 (VCV004751256.1).